The following is an entry in ClinVar:

NM_006765.4(TUSC3):c.244C>G (p.Arg82Gly)

Gene: TUSC3 (tumor suppressor candidate 3; plus strand). Cytogenetic location: 8p22.
Variant type: single nucleotide variant.
Coding change: c.244C>G on transcript NM_006765.4 (MANE Select); coding-DNA position 244, C replaced by G.
Protein change: p.Arg82Gly; replaces arginine 82 with glycine.
Molecular consequence: missense variant. On other transcripts: 5 prime UTR variant (1), non-coding transcript variant (5), intron variant (1).
Genome position (GRCh38, 1-based): chr8:15,623,185, C>G. VCF-style: chr8-15623185-C-G. GRCh37 (hg19) VCF-style: chr8-15480694-C-G.
Other names: c.244C>G, p.Arg82Gly (NM_001413583.1, NM_001413673.1, NM_001413674.1 and 17 more transcripts); c.76C>G, p.Arg26Gly (NM_001413669.1, NM_001413671.1, NM_001413672.1); c.184C>G, p.Arg62Gly (NM_001413670.1); c.-71C>G (NM_001413677.1); c.-79-27512C>G (NM_001413678.1); short protein forms R26G, R62G, R82G.
Identifiers: ClinVar variation 3704811 (VCV003704811.2).
Genomic context (GRCh38, chr8:15,623,185, plus strand): 5'-AGACGCTCAATCTTCCGAATGAATGGTGATAAATTCCGAAAATTTATAAAGGCACCACCT[C>G]GAAACTATTCCATGATTGTTATGTTCACTGCTCTTCAGCCTCAGCGGCAGTGTTCTGTGT-3'
Protein context (NP_006756.2, residues 72-92): KFRKFIKAPP[Arg82Gly]NYSMIVMFTA

ClinVar aggregate classification (germline): Uncertain significance (1 of 4 stars; one submission).

Conditions:
Intellectual developmental disorder, autosomal recessive 7. Also called: Intellectual disability, autosomal recessive 7. Identifiers: Orphanet 88616, MedGen C1970197, MONDO:0012615, OMIM 611093.

gnomAD v4.1: 20 of 1,613,424 alleles (0.0012%); highest among the groups gnomAD compares: Middle Eastern, 0.016%; no homozygotes.

Submission:

Labcorp Genetics (formerly Invitae), Labcorp
Classification: Uncertain significance for Intellectual developmental disorder, autosomal recessive 7. Last evaluated: 2024-09-28. Review status: criteria provided, single submitter. Criteria: Invitae Variant Classification Sherloc (09022015). Collection method: clinical testing. Allele origin: germline.
Comment: This sequence change replaces arginine, which is basic and polar, with glycine, which is neutral and non-polar, at codon 82 of the TUSC3 protein (p.Arg82Gly). This variant is present in population databases (rs777068372, gnomAD 0.004%). This variant has not been reported in the literature in individuals affected with TUSC3-related conditions. An algorithm developed to predict the effect of missense changes on protein structure and function (PolyPhen-2) suggests that this variant is likely to be disruptive. In summary, the available evidence is currently insufficient to determine the role of this variant in disease. Therefore, it has been classified as a Variant of Uncertain Significance.